The following is an entry in ClinVar:

ClinVar aggregate classification (germline): Uncertain significance (1 of 4 stars; one submission).

Conditions:
Ullrich congenital muscular dystrophy 2 (UCMD2). Identifiers: Orphanet 75840, MedGen C4225314, MONDO:0014654, OMIM 616470.
Bethlem myopathy 2 (BTHLM2). Identifiers: Orphanet 536516, Orphanet 610, MedGen C4225313, MONDO:0034022, OMIM 616471.

Submission:

Labcorp Genetics (formerly Invitae), Labcorp
Classification: Uncertain significance for Bethlem myopathy 2; Ullrich congenital muscular dystrophy 2. Last evaluated: 2023-04-13. Review status: criteria provided, single submitter. Criteria: Invitae Variant Classification Sherloc (09022015). Collection method: clinical testing. Allele origin: germline.
Comment: This sequence change creates a premature translational stop signal (p.Phe709Trpfs*27) in the COL12A1 gene. Multiple COL12A1 isoforms have been reported, and the functional impact of this variant is uncertain (PMID: 8601036). This variant is not present in population databases (gnomAD no frequency). This variant has not been reported in the literature in individuals affected with COL12A1-related conditions. Experimental studies and prediction algorithms are not available or were not evaluated, and the functional significance of this variant is currently unknown. In summary, the available evidence is currently insufficient to determine the role of this variant in disease. Therefore, it has been classified as a Variant of Uncertain Significance.

Literature cited by the submitters: PubMed 8601036.

NM_004370.6(COL12A1):c.2120_2123dup (p.Phe709fs)

Gene: COL12A1 (collagen type XII alpha 1 chain; minus strand). Cytogenetic location: 6q13.
Variant type: Duplication.
Coding change: c.2120_2123dup on transcript NM_004370.6 (MANE Select); coding-DNA positions 2120 to 2123, 4 bases duplicated (ATGG; older notation c.2120_2123dupATGG).
Protein change: p.Phe709fs; shifts the reading frame from phenylalanine 709.
Molecular consequence: frameshift variant. On other transcripts: intron variant (2).
Genome position (GRCh38, 1-based): chr6:75,180,980-75,180,983, CCAT duplicated on the plus strand (ATGG on the coding strand, the reverse complement: COL12A1 is on the minus strand); duplicating any 4 consecutive bases within chr6:75,180,980-75,180,985 gives the same sequence; the c. name uses the placement nearest the transcript's 3' end. VCF-style (leftmost placement, unchanged base first): chr6-75180979-G-GCCAT. GRCh37 (hg19) VCF-style: chr6-75890695-G-GCCAT.
Other names: c.2120_2123dup, p.Phe709fs (NM_001424113.1, NM_001424114.1, NM_001424115.1); c.73+21737_73+21740dup (NM_001424116.1, NM_080645.3); short protein forms F709fs.
Identifiers: ClinVar variation 2937851 (VCV002937851.3), dbSNP rs2533551645, ClinGen allele CA2679423961.